The following is an entry in ClinVar:

NM_001256071.3(RNF213):c.6545C>T (p.Thr2182Met)

Gene: RNF213 (ring finger protein 213; plus strand). Cytogenetic location: 17q25.3.
Variant type: single nucleotide variant.
Coding change: c.6545C>T on transcript NM_001256071.3 (MANE Select); coding-DNA position 6545, C replaced by T.
Protein change: p.Thr2182Met; replaces threonine 2182 with methionine.
Molecular consequence: missense variant.
Genome position (GRCh38, 1-based): chr17:80,344,880, C>T. VCF-style: chr17-80344880-C-T. GRCh37 (hg19) VCF-style: chr17-78318680-C-T.
Other names: c.6692C>T, p.Thr2231Met (NM_001410195.1, NM_020914.5); short protein forms T2182M, T2231M.
Identifiers: ClinVar variation 2648417 (VCV002648417.24), dbSNP rs111685972, ClinGen allele CA8820561.

ClinVar aggregate classification (germline): Likely benign (1 of 4 stars; one submission).

Allele frequency attached by ClinVar (database versions not stated): ExAC 0.00016; ESP Exome Variant Server 0.00046; gnomAD 0.00048; TOPMed 0.00048; 1000 Genomes Project 30x 0.00125; 1000 Genomes Project 0.00140.
gnomAD v4.1: 191 of 1,614,178 alleles (0.012%); highest among the groups gnomAD compares: African/African-American, 0.17%; no homozygotes.

Submission:

CeGaT Center for Human Genetics Tuebingen
Classification: Likely benign. Last evaluated: 2023-09-01. Review status: criteria provided, single submitter. Criteria: CeGaT Center For Human Genetics Tuebingen Variant Classification Criteria Version 2. Collection method: clinical testing. Allele origin: germline. Affected: yes. Observed: 1 variant allele.
Comment: RNF213: BP4